The following is an entry in ClinVar:

NM_001079.4(ZAP70):c.890-1_891del

Gene: ZAP70 (zeta chain of T cell receptor associated protein kinase 70; plus strand). Cytogenetic location: 2q11.2.
Variant type: Deletion.
Coding change: c.890-1_891del on transcript NM_001079.4 (MANE Select); the canonical splice acceptor site of the intron before coding-DNA position 890 through coding-DNA position 891, 3 bases deleted (GCA; older notation c.890-1_891delGCA).
Molecular consequence: splice acceptor variant. On other transcripts: 5 prime UTR variant (1).
Genome position (GRCh38, 1-based): chr2:97,734,519-97,734,521, GCA deleted; deleting any 3 consecutive bases within chr2:97,734,517-97,734,521 gives the same sequence; the c. name uses the placement nearest the transcript's 3' end. VCF-style (leftmost placement, unchanged base first): chr2-97734516-CCAG-C. GRCh37 (hg19) VCF-style: chr2-98350979-CCAG-C.
Other names: c.-33_-31del (NM_207519.2); c.890-1_891del (NM_001378594.1).
Identifiers: ClinVar variation 2767977 (VCV002767977.3), dbSNP rs2482756016, ClinGen allele CA2697550996.

ClinVar aggregate classification (germline): Likely pathogenic (1 of 4 stars; one submission).

Conditions:
Combined immunodeficiency due to ZAP70 deficiency (IMD48). Also called: ZAP70 Deficiency; Immunodeficiency 48. Identifiers: Orphanet 911, MedGen C2931299, MONDO:0010023, OMIM 269840.

Submission:

Labcorp Genetics (formerly Invitae), Labcorp
Classification: Likely pathogenic for Combined immunodeficiency due to ZAP70 deficiency. Last evaluated: 2023-06-04. Review status: criteria provided, single submitter. Criteria: Invitae Variant Classification Sherloc (09022015). Collection method: clinical testing. Allele origin: germline.
Comment: In summary, the currently available evidence indicates that the variant is pathogenic, but additional data are needed to prove that conclusively. Therefore, this variant has been classified as Likely Pathogenic. Algorithms developed to predict the effect of sequence changes on RNA splicing suggest that this variant may disrupt the consensus splice site. This variant has not been reported in the literature in individuals affected with ZAP70-related conditions. This variant is not present in population databases (gnomAD no frequency). This variant results in the deletion of part of exon 9 (c.890-1_891del) of the ZAP70 gene. It is expected to disrupt RNA splicing. Variants that disrupt the donor or acceptor splice site typically lead to a loss of protein function (PMID: 16199547), and loss-of-function variants in ZAP70 are known to be pathogenic (PMID: 8202712).

Literature cited by the submitters: PubMed 16199547; PubMed 8202712.